The following is an entry in ClinVar:

NM_020812.4(DOCK6):c.4628G>A (p.Arg1543Gln)

Genes: DOCK6 (dedicator of cytokinesis 6; minus strand), DOCK6-AS1 (DOCK6 antisense RNA 1; plus strand). Cytogenetic location: 19p13.2.
Variant type: single nucleotide variant.
Coding change: c.4628G>A on transcript NM_020812.4 (MANE Select); coding-DNA position 4628, G replaced by A.
Protein change: p.Arg1543Gln; replaces arginine 1543 with glutamine.
Molecular consequence: missense variant.
Genome position (GRCh38, 1-based): chr19:11,212,015, C>T on the plus strand (G>A on the coding strand, the complement: DOCK6 is on the minus strand). VCF-style: chr19-11212015-C-T. GRCh37 (hg19) VCF-style: chr19-11322691-C-T.
Other names: c.4733G>A, p.Arg1578Gln (NM_001367830.1); c.4628G>A (NM_020812.3); short protein forms R1543Q, R1578Q.
Identifiers: ClinVar variation 2471066 (VCV002471066.3), dbSNP rs766488729, ClinGen allele CA9206782.

ClinVar aggregate classification (germline): Uncertain significance. Review status: criteria provided, multiple submitters, no conflicts (2 of 4 stars). 2 submissions from 2 submitters: Uncertain significance (2). Last evaluated 2026-03-01.

Conditions:
Inborn genetic diseases. Identifiers: MedGen C0950123, MeSH D030342.
DOCK6-related disorder. Also called: DOCK6-related condition.

Allele frequency attached by ClinVar (database versions not stated): gnomAD exomes 0.00004; gnomAD 0.00005; TOPMed 0.00006; ExAC 0.00012; 1000 Genomes Project 30x 0.00016.
gnomAD v4.1: 70 of 1,607,144 alleles (0.0044%); highest among the groups gnomAD compares: South Asian, 0.042%; no homozygotes.

Submissions (2):

PreventionGenetics, part of Exact Sciences
Classification: Uncertain significance for DOCK6-related condition. Last evaluated: 2026-03-01. Review status: criteria provided, single submitter. Criteria: ACMG Guidelines, 2015. Collection method: clinical testing. Allele origin: germline.
Comment: The DOCK6 c.4628G>A variant is predicted to result in the amino acid substitution p.Arg1543Gln. To our knowledge, this variant has not been reported in the literature. This variant is reported in 0.062% of alleles in individuals of South Asian descent in gnomAD, which may be too frequent to be a primary cause of disease. Although we suspect that this variant may be benign, at this time, the clinical significance of this variant is uncertain due to the absence of conclusive functional and genetic evidence.

Ambry Genetics
Classification: Uncertain significance for Inborn genetic diseases. Last evaluated: 2023-01-23. Review status: criteria provided, single submitter. Criteria: Ambry Variant Classification Scheme 2023. Collection method: clinical testing. Allele origin: germline.